The following is an entry in ClinVar:

NM_004268.5(MED17):c.1063C>T (p.Gln355Ter)

Gene: MED17 (mediator complex subunit 17; plus strand). Cytogenetic location: 11q21.
Variant type: single nucleotide variant.
Coding change: c.1063C>T on transcript NM_004268.5 (MANE Select); coding-DNA position 1063, C replaced by T.
Protein change: p.Gln355Ter; replaces glutamine 355 with a stop codon.
Molecular consequence: nonsense.
Genome position (GRCh38, 1-based): chr11:93,796,460, C>T. VCF-style: chr11-93796460-C-T. GRCh37 (hg19) VCF-style: chr11-93529626-C-T.
Other names: short protein forms Q355*.
Identifiers: ClinVar variation 2818888 (VCV002818888.3), dbSNP rs2497533462, ClinGen allele CA382357368.
Genomic context (GRCh38, chr11:93,796,460, plus strand): 5'-TTATAAATAGGCTTGCAGTTATCTATTTCTTTGTGCCATTCCTCAAATGATAAGAAATCC[C>T]AAAAATTTGCTACTGAGAAGCAATGTCCGGAGGACCACCTTTATGTCCTAGAGCATAATT-3'

ClinVar aggregate classification (germline): Pathogenic (1 of 4 stars; one submission).

Submission:

Labcorp Genetics (formerly Invitae), Labcorp
Classification: Pathogenic. Last evaluated: 2022-12-06. Review status: criteria provided, single submitter. Criteria: Invitae Variant Classification Sherloc (09022015). Collection method: clinical testing. Allele origin: germline.
Comment: For these reasons, this variant has been classified as Pathogenic. This variant has not been reported in the literature in individuals affected with MED17-related conditions. This variant is not present in population databases (gnomAD no frequency). This sequence change creates a premature translational stop signal (p.Gln355*) in the MED17 gene. It is expected to result in an absent or disrupted protein product. Loss-of-function variants in MED17 are known to be pathogenic (PMID: 20950787, 26004231, 30345598).

Literature cited by the submitters: PubMed 20950787; PubMed 26004231; PubMed 30345598.